The following is an entry in ClinVar:

ClinVar aggregate classification (germline): Uncertain significance. Review status: criteria provided, multiple submitters, no conflicts (2 of 4 stars). 2 submissions from 2 submitters: Uncertain significance (2). Last evaluated 2024-06-14.

Conditions:
Joubert syndrome 14 (JBTS14). Identifiers: MedGen C3280766, MONDO:0013745, OMIM 614424.

Allele frequency attached by ClinVar (database versions not stated): TOPMed below 0.00001; gnomAD 0.00001; gnomAD exomes 0.00004; ExAC 0.00005.
gnomAD v4.1: 59 of 1,568,182 alleles (0.0038%); highest among the groups gnomAD compares: Non-Finnish European, 0.0049%; no homozygotes.

Submissions (2):

Blueprint Genetics
Classification: Uncertain significance. Last evaluated: 2024-06-14. Review status: criteria provided, single submitter. Criteria: ACMG Guidelines, 2015. Collection method: clinical testing. Allele origin: germline.

Labcorp Genetics (formerly Invitae), Labcorp
Classification: Uncertain significance for Joubert syndrome 14. Last evaluated: 2022-05-19. Review status: criteria provided, single submitter. Criteria: Invitae Variant Classification Sherloc (09022015). Collection method: clinical testing. Allele origin: germline.
Comment: In summary, the available evidence is currently insufficient to determine the role of this variant in disease. Therefore, it has been classified as a Variant of Uncertain Significance. Algorithms developed to predict the effect of missense changes on protein structure and function output the following: SIFT: "Tolerated"; PolyPhen-2: "Benign"; Align-GVGD: "Class C0". The asparagine amino acid residue is found in multiple mammalian species, which suggests that this missense change does not adversely affect protein function. This variant has not been reported in the literature in individuals affected with TMEM237-related conditions. The frequency data for this variant in the population databases is considered unreliable, as metrics indicate poor data quality at this position in the gnomAD database. This sequence change replaces lysine, which is basic and polar, with asparagine, which is neutral and polar, at codon 100 of the TMEM237 protein (p.Lys100Asn).

NM_001044385.3(TMEM237):c.300G>T (p.Lys100Asn)

Gene: TMEM237 (transmembrane protein 237; minus strand). Cytogenetic location: 2q33.1.
Variant type: single nucleotide variant.
Coding change: c.300G>T on transcript NM_001044385.3 (MANE Select); coding-DNA position 300, G replaced by T.
Protein change: p.Lys100Asn; replaces lysine 100 with asparagine.
Molecular consequence: missense variant.
Genome position (GRCh38, 1-based): chr2:201,633,406, C>A on the plus strand (G>T on the coding strand, the complement: TMEM237 is on the minus strand). VCF-style: chr2-201633406-C-A. GRCh37 (hg19) VCF-style: chr2-202498129-C-A.
Other names: c.276G>T, p.Lys92Asn (NM_152388.4); short protein forms K100N, K92N.
Identifiers: ClinVar variation 2091643 (VCV002091643.4), dbSNP rs757355382, ClinGen allele CA2056520.